The following is an entry in ClinVar:

NM_001854.4(COL11A1):c.2705C>T (p.Pro902Leu)

Gene: COL11A1 (collagen type XI alpha 1 chain; minus strand). Cytogenetic location: 1p21.1.
Variant type: single nucleotide variant.
Coding change: c.2705C>T on transcript NM_001854.4 (MANE Select); coding-DNA position 2705, C replaced by T.
Protein change: p.Pro902Leu; replaces proline 902 with leucine.
Molecular consequence: missense variant. On other transcripts: non-coding transcript variant (1).
Genome position (GRCh38, 1-based): chr1:102,978,864, G>A on the plus strand (C>T on the coding strand, the complement: COL11A1 is on the minus strand). VCF-style: chr1-102978864-G-A. GRCh37 (hg19) VCF-style: chr1-103444420-G-A.
Other names: c.2588C>T, p.Pro863Leu (NM_001190709.2); c.2741C>T, p.Pro914Leu (NM_080629.3); c.2357C>T, p.Pro786Leu (NM_080630.4); short protein forms P786L, P863L, P902L, P914L.
Identifiers: ClinVar variation 3252952 (VCV003252952.1), dbSNP rs2525109160.

ClinVar aggregate classification (germline): Uncertain significance (1 of 4 stars; one submission).

Submission:

GeneDx
Classification: Uncertain significance. Last evaluated: 2023-12-10. Review status: criteria provided, single submitter. Criteria: GeneDx Variant Classification Process June 2021. Collection method: clinical testing. Allele origin: germline. Affected: yes.
Comment: Not observed at significant frequency in large population cohorts (gnomAD); In silico analysis supports that this missense variant has a deleterious effect on protein structure/function; Has not been previously published as pathogenic or benign to our knowledge